The following is an entry in ClinVar:

ClinVar aggregate classification (germline): Pathogenic. Review status: criteria provided, multiple submitters, no conflicts (2 of 4 stars). 2 submissions from 2 submitters: Pathogenic (2). Last evaluated 2022-09-01.

Conditions:
Microcephaly with or without chorioretinopathy, lymphedema, or impaired intellectual development. Also called: Microcephaly lymphedema chorioretinal dysplasia; Microcephaly with or without chorioretinopathy, lymphedema, or intellectual disability; Microcephaly with or without chorioretinopathy, lymphedema, or mental retardation; MICROCEPHALY AND CHORIORETINOPATHY WITH OR WITHOUT MENTAL RETARDATION, AUTOSOMAL DOMINANT; MICROCEPHALY, LYMPHEDEMA, CHORIORETINAL DYSPLASIA SYNDROME. Identifiers: Orphanet 2526, MedGen C1835265, MONDO:0007918, OMIM 152950.

Submissions (2):

3billion
Classification: Pathogenic for Microcephaly with or without chorioretinopathy, lymphedema, or impaired intellectual development. Last evaluated: 2022-09-01. Review status: criteria provided, single submitter. Criteria: ACMG Guidelines, 2015. Collection method: clinical testing. Allele origin: germline. Affected: yes. Observed: 1 heterozygote.
Comment: The variant is not observed in the gnomAD v2.1.1 dataset. Stop-gained (nonsense) is predicted to result in a loss or disruption of normal protein function through nonsense-mediated decay (NMD) or protein truncation. Multiple pathogenic variants are reported downstream of the variant. The variant has been reported to be associated with KIF11 -related disorder (ClinVar ID: VCV000802621). Therefore, this variant is classified as Pathogenic according to the recommendation of ACMG/AMP guideline.

Mendelics
Classification: Pathogenic for Microcephaly with or without chorioretinopathy, lymphedema, or impaired intellectual development. Last evaluated: 2019-05-28. Review status: criteria provided, single submitter. Criteria: Mendelics Assertion Criteria 2017. Collection method: clinical testing. Allele origin: unknown.

NM_004523.4(KIF11):c.2782C>T (p.Gln928Ter)

Gene: KIF11 (kinesin family member 11; plus strand). Cytogenetic location: 10q23.33.
Variant type: single nucleotide variant.
Coding change: c.2782C>T on transcript NM_004523.4 (MANE Select); coding-DNA position 2782, C replaced by T.
Protein change: p.Gln928Ter; replaces glutamine 928 with a stop codon.
Molecular consequence: nonsense.
Genome position (GRCh38, 1-based): chr10:92,649,846, C>T. VCF-style: chr10-92649846-C-T. GRCh37 (hg19) VCF-style: chr10-94409603-C-T.
Other names: short protein forms Q928*.
Identifiers: ClinVar variation 802621 (VCV000802621.2), dbSNP rs1589608594, ClinGen allele CA377805916.
Genomic context (GRCh38, chr10:92,649,846, plus strand): 5'-TTTACATCTCATACTTTAATTTTTACCTCTTATCTAATGTCCGTTAAAGGTACGACACCA[C>T]AGAGGAAAAGTTATTTATACCCATCAACACTGGTAAGAACTGAACCACGTGAACATCTCC-3'